The following is an entry in ClinVar:

ClinVar aggregate classification (germline): Pathogenic (1 of 4 stars; one submission).

Submission:

CeGaT Center for Human Genetics Tuebingen
Classification: Pathogenic. Last evaluated: 2024-04-01. Review status: criteria provided, single submitter. Criteria: CeGaT Center For Human Genetics Tuebingen Variant Classification Criteria Version 2. Collection method: clinical testing. Allele origin: germline. Affected: yes. Observed: 1 variant allele.
Comment: POGZ: PVS1, PM2

NM_015100.4(POGZ):c.366del (p.Gln123fs)

Gene: POGZ (pogo transposable element derived with ZNF domain; minus strand). Cytogenetic location: 1q21.3.
Variant type: Deletion.
Coding change: c.366del on transcript NM_015100.4 (MANE Select); coding-DNA position 366, one base deleted (T; older notation c.366delT).
Protein change: p.Gln123fs; shifts the reading frame from glutamine 123.
Molecular consequence: frameshift variant. On other transcripts: intron variant (1).
Genome position (GRCh38, 1-based): chr1:151,430,759, A deleted on the plus strand (T on the coding strand, the reverse complement: POGZ is on the minus strand). VCF-style (leftmost placement, unchanged base first): chr1-151430758-GA-G. GRCh37 (hg19) VCF-style: chr1-151403234-GA-G.
Other names: c.366del, p.Gln123fs (NM_001194937.2); c.207del, p.Gln70fs (NM_001194938.2, NM_207171.2); c.387del, p.Gln130fs (NM_001410860.1); c.284-2346del (NM_145796.4); short protein forms Q123fs, Q130fs, Q70fs.
Identifiers: ClinVar variation 3234701 (VCV003234701.20), dbSNP rs2529542808, ClinGen allele CA2825000848.